The following is an entry in ClinVar:

ClinVar aggregate classification (germline): Benign (1 of 4 stars; one submission).

Allele frequency attached by ClinVar (database versions not stated): 1000 Genomes Project 30x 0.05122; gnomAD 0.06603 and 0.06709; TOPMed 0.07309; 1000 Genomes Project 0.04772.
gnomAD v4.1: 10,125 of 152,224 alleles (6.7%); highest among the groups gnomAD compares: Admixed American, 15%; 468 homozygotes.

Submission:

GeneDx
Classification: Benign. Last evaluated: 2018-06-14. Review status: criteria provided, single submitter. Criteria: GeneDx Variant Classification (06012015). Collection method: clinical testing. Allele origin: germline. Affected: yes.
Comment: This variant is considered likely benign or benign based on one or more of the following criteria: it is a conservative change, it occurs at a poorly conserved position in the protein, it is predicted to be benign by multiple in silico algorithms, and/or has population frequency not consistent with disease.

NM_213569.2(NEBL):c.357+285A>G

Gene: NEBL (nebulette; minus strand). Cytogenetic location: 10p12.31.
Variant type: single nucleotide variant.
Coding change: c.357+285A>G on transcript NM_213569.2; 285 bases into the intron after coding-DNA position 357, A replaced by G.
Molecular consequence: intron variant.
Genome position (GRCh38, 1-based): chr10:20,961,387, T>C on the plus strand (A>G on the coding strand, the complement: NEBL is on the minus strand). VCF-style: chr10-20961387-T-C. GRCh37 (hg19) VCF-style: chr10-21250316-T-C.
Other names: c.249+285A>G (NM_001377326.1, NM_001377327.1, NM_001377328.1); c.357+285A>G (NM_001173484.2, NM_001377322.1); c.300+285A>G (NM_001377324.1); c.291+285A>G (NM_001377325.1); c.309+285A>G (NM_001377323.1).
Identifiers: ClinVar variation 669620 (VCV000669620.3), dbSNP rs12411671, ClinGen allele CA15638137.